The following is an entry in ClinVar:

NM_000784.4(CYP27A1):c.752C>A (p.Ser251Ter)

Gene: CYP27A1 (cytochrome P450 family 27 subfamily A member 1; plus strand). Cytogenetic location: 2q35.
Variant type: single nucleotide variant.
Coding change: c.752C>A on transcript NM_000784.4 (MANE Select); coding-DNA position 752, C replaced by A.
Protein change: p.Ser251Ter; replaces serine 251 with a stop codon.
Molecular consequence: nonsense.
Genome position (GRCh38, 1-based): chr2:218,812,657, C>A. VCF-style: chr2-218812657-C-A. GRCh37 (hg19) VCF-style: chr2-219677380-C-A.
Other names: c.752C>A; short protein forms S251*.
Identifiers: ClinVar variation 65896 (VCV000065896.4), dbSNP rs587778808, ClinGen allele CA345232.
Genomic context (GRCh38, chr2:218,812,657, plus strand): 5'-GATCCATCCCCGAGGACACCGTGACCTTCGTCAGATCCATCGGGTTAATGTTCCAGAACT[C>A]ACTCTATGCCACCTTCCTCCCCAAGTGGACTCGCCCCGTGCTGCCTTTCTGGAAGCGATA-3'

ClinVar aggregate classification (germline): Pathogenic. Review status: criteria provided, single submitter (1 of 4 stars). 2 submissions from 2 submitters: Pathogenic (1). 1 of the submissions does not count toward it. Last evaluated 2024-01-03.

Conditions:
Cholestanol storage disease (CTX). Also called: CEREBRAL CHOLESTERINOSIS; Cerebrotendinous Xanthomatosis; CTX: Cerebrotendinous xanthomatosis. Identifiers: Orphanet 909, MedGen C0238052, MONDO:0008948, OMIM 213700.

Submissions (2):

Baylor Genetics
Classification: Pathogenic for Cholestanol storage disease. Last evaluated: 2024-01-03. Review status: criteria provided, single submitter. Criteria: ACMG Guidelines, 2015. Collection method: clinical testing. Allele origin: unknown.

GeneReviews
Classification: Pathogenic for Cerebrotendinous Xanthomatosis. Last evaluated: 2013-08-01. Review status: no assertion criteria provided. Collection method: curation. Allele origin: unknown. Not counted in ClinVar's aggregate classification.
ClinVar note: Converted during submission from pathologic to Pathogenic.